The following is an entry in ClinVar:

NM_030957.4(ADAMTS10):c.2788C>A (p.Gln930Lys)

Gene: ADAMTS10 (ADAM metallopeptidase with thrombospondin type 1 motif 10; minus strand). Cytogenetic location: 19p13.2.
Variant type: single nucleotide variant.
Coding change: c.2788C>A on transcript NM_030957.4 (MANE Select); coding-DNA position 2788, C replaced by A.
Protein change: p.Gln930Lys; replaces glutamine 930 with lysine.
Molecular consequence: missense variant.
Genome position (GRCh38, 1-based): chr19:8,585,533, G>T on the plus strand (C>A on the coding strand, the complement: ADAMTS10 is on the minus strand). VCF-style: chr19-8585533-G-T. GRCh37 (hg19) VCF-style: chr19-8650417-G-T.
Other names: c.1249C>A, p.Gln417Lys (NM_001282352.2); short protein forms Q417K, Q930K.
Identifiers: ClinVar variation 1355590 (VCV001355590.5), dbSNP rs1555736798, ClinGen allele CA403748983.

ClinVar aggregate classification (germline): Uncertain significance (1 of 4 stars; one submission).

Allele frequency attached by ClinVar (database versions not stated): gnomAD exomes 0.00001; TOPMed 0.00001.
gnomAD v4.1: 17 of 1,570,234 alleles (0.0011%); highest among the groups gnomAD compares: Non-Finnish European, 0.0014%; no homozygotes.

Submission:

Labcorp Genetics (formerly Invitae), Labcorp
Classification: Uncertain significance. Last evaluated: 2021-09-05. Review status: criteria provided, single submitter. Criteria: Invitae Variant Classification Sherloc (09022015). Collection method: clinical testing. Allele origin: germline.
Comment: In summary, the available evidence is currently insufficient to determine the role of this variant in disease. Therefore, it has been classified as a Variant of Uncertain Significance. Algorithms developed to predict the effect of missense changes on protein structure and function (SIFT, PolyPhen-2, Align-GVGD) all suggest that this variant is likely to be tolerated. This sequence change replaces glutamine with lysine at codon 930 of the ADAMTS10 protein (p.Gln930Lys). The glutamine residue is highly conserved and there is a small physicochemical difference between glutamine and lysine. The frequency data for this variant in the population databases is considered unreliable, as metrics indicate insufficient coverage at this position in the ExAC database. This variant has not been reported in the literature in individuals affected with ADAMTS10-related conditions.